The following is an entry in ClinVar:

NM_001754.5(RUNX1):c.351+19T>A

Gene: RUNX1 (RUNX family transcription factor 1; minus strand). Cytogenetic location: 21q22.12.
Variant type: single nucleotide variant.
Coding change: c.351+19T>A on transcript NM_001754.5 (MANE Select); 19 bases into the intron after coding-DNA position 351, T replaced by A.
Molecular consequence: intron variant.
Genome position (GRCh38, 1-based): chr21:34,886,824, A>T on the plus strand (T>A on the coding strand, the complement: RUNX1 is on the minus strand). VCF-style: chr21-34886824-A-T. GRCh37 (hg19) VCF-style: chr21-36259121-A-T.
Other names: c.270+19T>A (NM_001001890.3, NM_001122607.2).
Identifiers: ClinVar variation 2111409 (VCV002111409.5), dbSNP rs2146407292, ClinGen allele CA2580098620.

ClinVar aggregate classification (germline): Likely benign. Review status: reviewed by expert panel (3 of 4 stars). 2 submissions from 2 submitters: Likely benign (1). 1 of the submissions does not count toward it. Last evaluated 2024-11-04.

Conditions:
Hereditary thrombocytopenia and hematological cancer predisposition syndrome associated with RUNX1. Also called: Familial Platelet Disorder with Propensity to Acute Myelogenous Leukemia; Familial thrombocytopenia with propensity to acute myelogenous leukemia; PLATELET DISORDER, ASPIRIN-LIKE; RUNX1 Familial Platelet Disorder with Associated Myeloid Malignancies. Identifiers: Orphanet 71290, MedGen C1832388, MeSH C563324, MONDO:0100083, OMIM 601399.
Hereditary thrombocytopenia and hematologic cancer predisposition syndrome. Identifiers: Orphanet 71290, MedGen CN281654, MONDO:0011071.

Submissions (2):

ClinGen Myeloid Malignancy Variant Curation Expert Panel
Classification: Likely benign for Hereditary thrombocytopenia and hematologic cancer predisposition syndrome. Last evaluated: 2024-11-04. Review status: reviewed by expert panel. Criteria: ClinGen MyeloMalig ACMG Specifications v2. Collection method: curation. Allele origin: germline. Inheritance: Autosomal dominant inheritance.
Comment: NM_001754.5(RUNX1):c.351+19T>A is an intronic variant which has a SpliceAI score ≤ 0.20 (0.0) (BP4). This variant has a SpliceAI score ≤ 0.20 (0.0) and evolutionary conservation prediction algorithms predict the site as not being conserved (PhyloP score ≤ 2.0 (-0.511) (BP7). This variant is completely absent from all population databases with at least 20x coverage for RUNX1 (PM2_Supporting). In summary, this variant meets criteria to be classified as likely benign. ACMG/AMP criteria applied, as specified by the Myeloid Malignancy Variant Curation Expert Panel for RUNX1: BP4, BP7, PM2_supporting.

Labcorp Genetics (formerly Invitae), Labcorp
Classification: Likely benign for Hereditary thrombocytopenia and hematological cancer predisposition syndrome associated with RUNX1. Last evaluated: 2026-01-27. Review status: criteria provided, single submitter. Criteria: Invitae Variant Classification Sherloc (09022015). Collection method: clinical testing. Allele origin: germline. Not counted in ClinVar's aggregate classification.